The following is an entry in ClinVar:

NM_000702.4(ATP1A2):c.2210A>G (p.Asp737Gly)

Gene: ATP1A2 (ATPase Na+/K+ transporting subunit alpha 2; plus strand). Cytogenetic location: 1q23.2.
Variant type: single nucleotide variant.
Coding change: c.2210A>G on transcript NM_000702.4 (MANE Select); coding-DNA position 2210, A replaced by G.
Protein change: p.Asp737Gly; replaces aspartic acid 737 with glycine.
Molecular consequence: missense variant.
Genome position (GRCh38, 1-based): chr1:160,135,528, A>G. VCF-style: chr1-160135528-A-G. GRCh37 (hg19) VCF-style: chr1-160105318-A-G.
Other names: short protein forms D737G.
Identifiers: ClinVar variation 3361441 (VCV003361441.3).

ClinVar aggregate classification (germline): Uncertain significance. Review status: criteria provided, multiple submitters, no conflicts (2 of 4 stars). 2 submissions from 2 submitters: Uncertain significance (2). Last evaluated 2024-08-07.

Conditions:
Familial hemiplegic migraine. Identifiers: MedGen C0338484, MONDO:0000700.

gnomAD v4.1: 4 of 1,614,018 alleles (0.00025%); highest among the groups gnomAD compares: East Asian, 0.0067%; no homozygotes.

Submissions (2):

Labcorp Genetics (formerly Invitae), Labcorp
Classification: Uncertain significance for Familial hemiplegic migraine. Last evaluated: 2024-08-07. Review status: criteria provided, single submitter. Criteria: Invitae Variant Classification Sherloc (09022015). Collection method: clinical testing. Allele origin: germline.
Comment: This sequence change replaces aspartic acid, which is acidic and polar, with glycine, which is neutral and non-polar, at codon 737 of the ATP1A2 protein (p.Asp737Gly). This variant is not present in population databases (gnomAD no frequency). This variant has not been reported in the literature in individuals affected with ATP1A2-related conditions. Advanced modeling of protein sequence and biophysical properties (such as structural, functional, and spatial information, amino acid conservation, physicochemical variation, residue mobility, and thermodynamic stability) performed at Invitae indicates that this missense variant is expected to disrupt ATP1A2 protein function with a positive predictive value of 80%. In summary, the available evidence is currently insufficient to determine the role of this variant in disease. Therefore, it has been classified as a Variant of Uncertain Significance.

GeneDx
Classification: Uncertain significance. Last evaluated: 2023-07-31. Review status: criteria provided, single submitter. Criteria: GeneDx Variant Classification Process June 2021. Collection method: clinical testing. Allele origin: germline. Affected: yes.
Comment: Not observed at significant frequency in large population cohorts (gnomAD); In silico analysis supports that this missense variant has a deleterious effect on protein structure/function; Has not been previously published as pathogenic or benign to our knowledge; This variant is associated with the following publications: (PMID: 18184292)